The following is an entry in ClinVar:

NM_018489.3(ASH1L):c.99T>C (p.Ser33=)

Gene: ASH1L (ASH1 like histone lysine methyltransferase; minus strand). Cytogenetic location: 1q22.
Variant type: single nucleotide variant.
Coding change: c.99T>C on transcript NM_018489.3 (MANE Select); coding-DNA position 99, T replaced by C.
Protein change: p.Ser33=; no amino-acid change (serine 33 retained).
Molecular consequence: synonymous variant.
Genome position (GRCh38, 1-based): chr1:155,521,421, A>G on the plus strand (T>C on the coding strand, the complement: ASH1L is on the minus strand). VCF-style: chr1-155521421-A-G. GRCh37 (hg19) VCF-style: chr1-155491212-A-G.
Other names: c.99T>C, p.Ser33= (NM_001366177.2).
Identifiers: ClinVar variation 2639429 (VCV002639429.24), dbSNP rs2524744614, ClinGen allele CA421251439.

ClinVar aggregate classification (germline): Likely benign (1 of 4 stars; one submission).

Allele frequency attached by ClinVar (database versions not stated): gnomAD exomes below 0.00001.
gnomAD v4.1: 1 of 1,613,918 alleles (0.000062%); highest among the groups gnomAD compares: Middle Eastern, 0.016%; no homozygotes.

Submission:

CeGaT Center for Human Genetics Tuebingen
Classification: Likely benign. Last evaluated: 2023-10-01. Review status: criteria provided, single submitter. Criteria: CeGaT Center For Human Genetics Tuebingen Variant Classification Criteria Version 2. Collection method: clinical testing. Allele origin: germline. Affected: yes. Observed: 1 variant allele.
Comment: ASH1L: PM2:Supporting, BP4, BP7